The following is an entry in ClinVar:

NM_015404.4(WHRN):c.1323C>G (p.Thr441=)

Gene: WHRN (whirlin; minus strand). Cytogenetic location: 9q32.
Variant type: single nucleotide variant.
Coding change: c.1323C>G on transcript NM_015404.4 (MANE Select); coding-DNA position 1323, C replaced by G.
Protein change: p.Thr441=; no amino-acid change (threonine 441 retained).
Molecular consequence: synonymous variant.
Genome position (GRCh38, 1-based): chr9:114,424,427, G>C on the plus strand (C>G on the coding strand, the complement: WHRN is on the minus strand). VCF-style: chr9-114424427-G-C. GRCh37 (hg19) VCF-style: chr9-117186707-G-C.
Other names: c.174C>G, p.Thr58= (NM_001083885.3); c.1323C>G, p.Thr441= (NM_001173425.2); c.270C>G, p.Thr90= (NM_001346890.1).
Identifiers: ClinVar variation 3036682 (VCV003036682.2), dbSNP rs1426591941, ClinGen allele CA466778131.

ClinVar aggregate classification (germline): Likely benign (0 of 4 stars; one submission).

Conditions:
WHRN-related disorder. Also called: WHRN-related condition.

Allele frequency attached by ClinVar (database versions not stated): TOPMed below 0.00001.
gnomAD v4.1: 2 of 1,613,512 alleles (0.00012%); highest among the groups gnomAD compares: Admixed American, 0.0017%; no homozygotes.

Submission:

PreventionGenetics, part of Exact Sciences
Classification: Likely benign for WHRN-related condition. Last evaluated: 2020-08-04. Review status: no assertion criteria provided. Collection method: clinical testing. Allele origin: germline.
Comment: This variant is classified as likely benign based on ACMG/AMP sequence variant interpretation guidelines (Richards et al. 2015 PMID: 25741868, with internal and published modifications).